The following is an entry in ClinVar:

ClinVar aggregate classification (germline): Likely benign. Review status: criteria provided, single submitter (1 of 4 stars). 2 submissions from 2 submitters: Likely benign (1). 1 of the submissions does not count toward it. Last evaluated 2022-07-26.

Conditions:
CUBN-related disorder. Also called: CUBN-related condition.
Imerslund-Grasbeck syndrome. Also called: Megaloblastic anemia due to inborn errors of metabolism; Imerslund-Gräsbeck syndrome; ENTEROCYTE COBALAMIN MALABSORPTION; ENTEROCYTE INTRINSIC FACTOR RECEPTOR, DEFECT OF; PERNICIOUS ANEMIA, JUVENILE, DUE TO SELECTIVE INTESTINAL MALABSORPTION OF VITAMIN B12, WITH PROTEINURIA. Identifiers: Orphanet 35858, MedGen C4551825, MONDO:0009853.

Allele frequency attached by ClinVar (database versions not stated): ExAC 0.00002.
gnomAD v4.1: 28 of 1,612,766 alleles (0.0017%); highest among the groups gnomAD compares: Middle Eastern, 0.017%; no homozygotes.

Submissions (2):

Labcorp Genetics (formerly Invitae), Labcorp
Classification: Likely benign for Imerslund-Grasbeck syndrome. Last evaluated: 2022-07-26. Review status: criteria provided, single submitter. Criteria: Invitae Variant Classification Sherloc (09022015). Collection method: clinical testing. Allele origin: germline.

PreventionGenetics, part of Exact Sciences
Classification: Likely benign for CUBN-related condition. Last evaluated: 2019-06-20. Review status: no assertion criteria provided. Collection method: clinical testing. Allele origin: germline. Not counted in ClinVar's aggregate classification.
Comment: This variant is classified as likely benign based on ACMG/AMP sequence variant interpretation guidelines (Richards et al. 2015 PMID: 25741868, with internal and published modifications).

NM_001081.4(CUBN):c.5070G>A (p.Ala1690=)

Gene: CUBN (cubilin; minus strand). Cytogenetic location: 10p13.
Variant type: single nucleotide variant.
Coding change: c.5070G>A on transcript NM_001081.4 (MANE Select); coding-DNA position 5070, G replaced by A.
Protein change: p.Ala1690=; no amino-acid change (alanine 1690 retained).
Molecular consequence: synonymous variant.
Genome position (GRCh38, 1-based): chr10:16,950,011, C>T on the plus strand (G>A on the coding strand, the complement: CUBN is on the minus strand). VCF-style: chr10-16950011-C-T. GRCh37 (hg19) VCF-style: chr10-16992010-C-T.
Identifiers: ClinVar variation 1935649 (VCV001935649.6), dbSNP rs774012822, ClinGen allele CA5424157.